The following is an entry in ClinVar:

ClinVar aggregate classification (germline): Uncertain significance. Review status: criteria provided, single submitter (1 of 4 stars). 2 submissions from 2 submitters: Uncertain significance (1). 1 of the submissions does not count toward it. Last evaluated 2022-07-25.

Conditions:
Bardet-Biedl syndrome (BBS). Identifiers: Orphanet 110, MedGen C0752166, MONDO:0015229.
BBS7-related disorder. Also called: BBS7-related condition.

Allele frequency attached by ClinVar (database versions not stated): gnomAD exomes 0.00002; ExAC 0.00003; TOPMed 0.00003; gnomAD 0.00004; 1000 Genomes Project 30x 0.00016; 1000 Genomes Project 0.00020.

Submissions (2):

Labcorp Genetics (formerly Invitae), Labcorp
Classification: Uncertain significance for Bardet-Biedl syndrome. Last evaluated: 2022-07-25. Review status: criteria provided, single submitter. Criteria: Invitae Variant Classification Sherloc (09022015). Collection method: clinical testing. Allele origin: germline.
Comment: This sequence change affects codon 595 of the BBS7 mRNA. It is a 'silent' change, meaning that it does not change the encoded amino acid sequence of the BBS7 protein. It affects a nucleotide within the consensus splice site. This variant is present in population databases (rs551176983, gnomAD 0.01%). This variant has not been reported in the literature in individuals affected with BBS7-related conditions. Algorithms developed to predict the effect of sequence changes on RNA splicing suggest that this variant may disrupt the consensus splice site. In summary, the available evidence is currently insufficient to determine the role of this variant in disease. Therefore, it has been classified as a Variant of Uncertain Significance.

PreventionGenetics, part of Exact Sciences
Classification: Likely benign for BBS7-related condition. Last evaluated: 2022-06-07. Review status: no assertion criteria provided. Collection method: clinical testing. Allele origin: germline. Not counted in ClinVar's aggregate classification.
Comment: This variant is classified as likely benign based on ACMG/AMP sequence variant interpretation guidelines (Richards et al. 2015 PMID: 25741868, with internal and published modifications).

NM_176824.3(BBS7):c.1785C>T (p.Tyr595=)

Gene: BBS7 (Bardet-Biedl syndrome 7; minus strand). Cytogenetic location: 4q27.
Variant type: single nucleotide variant.
Coding change: c.1785C>T on transcript NM_176824.3 (MANE Select); coding-DNA position 1785, C replaced by T.
Protein change: p.Tyr595=; no amino-acid change (tyrosine 595 retained).
Molecular consequence: synonymous variant.
Genome position (GRCh38, 1-based): chr4:121,828,620, G>A on the plus strand (C>T on the coding strand, the complement: BBS7 is on the minus strand). VCF-style: chr4-121828620-G-A. GRCh37 (hg19) VCF-style: chr4-122749775-G-A.
Other names: c.1785C>T, p.Tyr595= (NM_018190.4); c.1785C>T (NM_176824.2).
Identifiers: ClinVar variation 2202420 (VCV002202420.2), dbSNP rs551176983, ClinGen allele CA3064139.
Genomic context (GRCh38, chr4:121,828,620, plus strand): 5'-ATAATGTAACAACAACACAAAATAAACATCAGAAAGAATTATTAATTTTGTTTGTTTACC[G>A]TATGATATGTTGAGGTTAATTTTCCTTTTTGTAGCTTCTTTAGAAAGCACATCTTTTAGG-3'
Protein context (NP_789794.1, residues 585-605): TKRKINLNIS[Tyr595=]EINEVSVKHT